The following is an entry in ClinVar:

NM_001142800.2(EYS):c.1765A>G (p.Arg589Gly)

Gene: EYS (EGF-like photoreceptor maintenance factor; minus strand). Cytogenetic location: 6q12.
Variant type: single nucleotide variant.
Coding change: c.1765A>G on transcript NM_001142800.2 (MANE Select); coding-DNA position 1765, A replaced by G.
Protein change: p.Arg589Gly; replaces arginine 589 with glycine.
Molecular consequence: missense variant.
Genome position (GRCh38, 1-based): chr6:65,334,981, T>C on the plus strand (A>G on the coding strand, the complement: EYS is on the minus strand). VCF-style: chr6-65334981-T-C. GRCh37 (hg19) VCF-style: chr6-66044874-T-C.
Other names: c.1765A>G, p.Arg589Gly (NM_001142801.2, NM_001292009.2, NM_198283.2); short protein forms R589G.
Identifiers: ClinVar variation 551672 (VCV000551672.18), dbSNP rs778030177, ClinGen allele CA3877627.

ClinVar aggregate classification (germline): Conflicting classifications of pathogenicity. Review status: criteria provided, conflicting classifications (1 of 4 stars). 11 submissions from 11 submitters: Pathogenic (3); Likely pathogenic (4); Uncertain significance (2). 2 of the submissions do not count toward it. Last evaluated 2026-04-14.

Conditions:
EYS-related disorder. Also called: EYS-related condition.
Macular dystrophy. Identifiers: MedGen C0730292, HP:0007754.
Retinitis pigmentosa 25 (RP25). Identifiers: Orphanet 791, MedGen C1864446, MONDO:0011272, OMIM 602772.

Allele frequency attached by ClinVar (database versions not stated): TOPMed 0.00003; gnomAD exomes 0.00004 and 0.00010; gnomAD 0.00005; ExAC 0.00009.
gnomAD v4.1: 68 of 1,606,096 alleles (0.0042%); highest among the groups gnomAD compares: Admixed American, 0.022%; no homozygotes.

Submissions (12):

Myriad Genetics, Inc.
Classification: Likely pathogenic for Retinitis pigmentosa 25. Last evaluated: 2026-04-14. Review status: criteria provided, single submitter. Criteria: Myriad Autosomal Dominant, Autosomal Recessive and X-Linked Classification Criteria (2023). Collection method: clinical testing. Allele origin: unknown.
Comment: NM_001142800.1(EYS):c.1765A>G(R589G) is a missense variant classified as likely pathogenic in the context of retinitis pigmentosa, EYS-related. R589G has been observed in cases with relevant disease (PMID: 30153090, 20237254, 25097241, 30718709, 40191993). Relevant functional assessments of this variant are available in the literature (PMID: 40191993). R589G has been observed in referenced population frequency databases. In summary, NM_001142800.1(EYS):c.1765A>G(R589G) is a missense variant that has been observed more frequently in cases with the relevant disease than in healthy populations. Please note: this variant was assessed in the context of healthy population screening.

First Genomix Gene Laboratory, Genetic Diagnostics Department
Classification: Likely pathogenic for Retinitis pigmentosa 25. Last evaluated: 2026-01-22. Review status: criteria provided, single submitter. Criteria: ACMG Guidelines, 2015. Collection method: clinical testing. Allele origin: germline. Inheritance: Autosomal recessive inheritance. Affected: no. Observed: 1 variant allele.

Natera, Inc.
Classification: Likely pathogenic for Retinitis pigmentosa type 25. Last evaluated: 2025-12-29. Review status: criteria provided, single submitter. Criteria: Natera Variant Classification Schema (03/2026). Collection method: clinical testing. Allele origin: germline.
Comment: The c.1765A>G variant in EYS is a missense variant predicted to cause substitution of arginine to glycine at amino acid 589. This variant is rare in the general population with a frequency below the threshold expected for the associated phenotype(s). This variant has been observed in one or more individuals affected with the associated recessive disease, as either homozygous or compound heterozygous with a second variant (PMID: 40191993, 30153090, 20237254). Functional studies show that this variant may disrupt protein function (PMID: 40191993). Computational prediction algorithms indicate this variant is likely to affect gene or protein function. Given the available evidence, this variant is classified as Likely Pathogenic.

Labcorp Genetics (formerly Invitae), Labcorp
Classification: Pathogenic. Last evaluated: 2025-10-21. Review status: criteria provided, single submitter. Criteria: Invitae Variant Classification Sherloc (09022015). Collection method: clinical testing. Allele origin: germline.
Comment: This sequence change replaces arginine, which is basic and polar, with glycine, which is neutral and non-polar, at codon 589 of the EYS protein (p.Arg589Gly). This variant is present in population databases (rs778030177, gnomAD 0.03%). This missense change has been observed in individuals with clinical features of retinitis pigmentosa (PMID: 20237254, 30153090; internal data). ClinVar contains an entry for this variant (Variation ID: 551672). An algorithm developed to predict the effect of missense changes on protein structure and function (PolyPhen-2) suggests that this variant is likely to be tolerated. Algorithms developed to predict the effect of sequence changes on RNA splicing suggest that this variant may disrupt the consensus splice site. For these reasons, this variant has been classified as Pathogenic.

PreventionGenetics, part of Exact Sciences
Classification: Pathogenic for EYS-related condition. Last evaluated: 2025-02-06. Review status: criteria provided, single submitter. Criteria: ACMG Guidelines, 2015. Collection method: clinical testing. Allele origin: germline.
Comment: The EYS c.1765A>G variant is predicted to result in the amino acid substitution p.Arg589Gly. This variant was reported in individuals with retinitis pigmentosa (see for example: Abd El-Aziz et al. 2010. PubMed ID: 20237254; Table S1, Lin et al. 2024. PubMed ID: 38219857; Mucciolo et al. 2018. PubMed ID: 30153090). This variant is predicted to alter splicing based on available splicing prediction programs (SpliceAI, Jaganathan et al. 2019. PubMed ID: 30661751). However, the use of computer prediction programs is not equivalent to functional evidence. This variant is reported in 0.040% of alleles in individuals of Ashkenazi Jewish descent in gnomAD. This variant is interpreted as pathogenic.

Blueprint Genetics
Classification: Uncertain significance. Last evaluated: 2024-05-03. Review status: criteria provided, single submitter. Criteria: ACMG Guidelines, 2015. Collection method: clinical testing. Allele origin: germline.

Fulgent Genetics
Classification: Likely pathogenic for Retinitis pigmentosa 25. Last evaluated: 2024-01-22. Review status: criteria provided, single submitter. Criteria: ACMG Guidelines, 2015. Collection method: clinical testing. Allele origin: germline.

Department of Pathology and Laboratory Medicine, Sinai Health System
Classification: Uncertain significance for Retinitis pigmentosa 25. Last evaluated: 2023-05-07. Review status: criteria provided, single submitter. Criteria: ACMG Guidelines, 2015. Collection method: research. Allele origin: germline.

Mendelics
Classification: Pathogenic for Retinitis pigmentosa 25. Last evaluated: 2019-05-28. Review status: criteria provided, single submitter. Criteria: Mendelics Assertion Criteria 2017. Collection method: clinical testing. Allele origin: unknown.

Department of Clinical Genetics, Copenhagen University Hospital, Rigshospitalet
Classification: Likely pathogenic for Macular dystrophy. Last evaluated: 2018-04-01. Review status: no assertion criteria provided. Collection method: research. Allele origin: unknown. Affected: yes. Study: VeluxRD. Not counted in ClinVar's aggregate classification.

Counsyl
Classification: Uncertain significance for Retinitis pigmentosa 25. Last evaluated: 2017-06-27. Review status: no assertion criteria provided. Collection method: clinical testing. Allele origin: unknown. Not counted in ClinVar's aggregate classification.

Dr. Peter K. Rogan Lab, Western University
No classification provided (evidence only). Condition: Colon adenocarcinoma. Review status: no classification provided. Collection method: in vitro. Allele origin: not applicable. Functional consequence: retained intron. Not counted in ClinVar's aggregate classification.

Literature cited by the submitters: PubMed 20237254 (cited by 4 submitters); PubMed 25097241 (cited by Myriad Genetics, Inc. and Counsyl); PubMed 30153090 (cited by 3 submitters); PubMed 30718709 (cited by Myriad Genetics, Inc. and Department of Clinical Genetics, Copenhagen University Hospital, Rigshospitalet); PubMed 40191993 (cited by Myriad Genetics, Inc. and Natera, Inc.).